The following is an entry in ClinVar:

NM_000038.6(APC):c.1729T>G (p.Leu577Val)

Gene: APC (APC regulator of Wnt signaling pathway; plus strand). Cytogenetic location: 5q22.2.
Variant type: single nucleotide variant.
Coding change: c.1729T>G on transcript NM_000038.6 (MANE Select); coding-DNA position 1729, T replaced by G.
Protein change: p.Leu577Val; replaces leucine 577 with valine.
Molecular consequence: missense variant.
Genome position (GRCh38, 1-based): chr5:112,828,958, T>G. VCF-style: chr5-112828958-T-G. GRCh37 (hg19) VCF-style: chr5-112164655-T-G.
Other names: c.1729T>G, p.Leu577Val (NM_001127510.3, NM_001354895.2); c.1675T>G, p.Leu559Val (NM_001127511.3); c.1783T>G, p.Leu595Val (NM_001354896.2); c.1759T>G, p.Leu587Val (NM_001354897.2); c.1654T>G, p.Leu552Val (NM_001354898.2); c.1645T>G, p.Leu549Val (NM_001354899.2); c.1606T>G, p.Leu536Val (NM_001354900.2); c.1552T>G, p.Leu518Val (NM_001354901.2); and 5 more; short protein forms L559V, L577V, L451V, L552V, L587V, L417V, L476V, L486V.
Identifiers: ClinVar variation 411391 (VCV000411391.10), dbSNP rs1060503284, ClinGen allele CA16025090.

ClinVar aggregate classification (germline): Uncertain significance. Review status: criteria provided, multiple submitters, no conflicts (2 of 4 stars). 2 submissions from 2 submitters: Uncertain significance (2). Last evaluated 2023-05-09.

Conditions:
Familial adenomatous polyposis 1 (FAP1). Also called: FAMILIAL ADENOMATOUS POLYPOSIS 1, ATTENUATED; POLYPOSIS, ADENOMATOUS INTESTINAL. Identifiers: MedGen C2713442, MONDO:0021056, OMIM 175100. Disease mechanism: loss of function.
Hereditary cancer-predisposing syndrome. Also called: Tumor predisposition; Hereditary Cancer Syndrome; Hereditary neoplastic syndrome; Neoplastic Syndromes, Hereditary. Identifiers: Orphanet 140162, MedGen C0027672, MeSH D009386, MONDO:0015356.

Submissions (2):

Color Diagnostics, LLC DBA Color Health
Classification: Uncertain significance for Hereditary cancer-predisposing syndrome. Last evaluated: 2023-05-09. Review status: criteria provided, single submitter. Criteria: ACMG Guidelines, 2015. Collection method: clinical testing. Allele origin: germline.
Comment: This missense variant replaces leucine with valine at codon 577 of the APC protein. Computational prediction suggests that this variant may not impact protein structure and function (internally defined REVEL score threshold <= 0.5, PMID: 27666373). To our knowledge, functional studies have not been reported for this variant. This variant has not been reported in individuals affected with APC-related disorders in the literature. This variant has not been identified in the general population by the Genome Aggregation Database (gnomAD). The available evidence is insufficient to determine the role of this variant in disease conclusively. Therefore, this variant is classified as a Variant of Uncertain Significance.

Labcorp Genetics (formerly Invitae), Labcorp
Classification: Uncertain significance for Familial adenomatous polyposis 1. Last evaluated: 2021-12-12. Review status: criteria provided, single submitter. Criteria: Invitae Variant Classification Sherloc (09022015). Collection method: clinical testing. Allele origin: germline.
Comment: This variant is not present in population databases (gnomAD no frequency). This variant has not been reported in the literature in individuals affected with APC-related conditions. ClinVar contains an entry for this variant (Variation ID: 411391). Algorithms developed to predict the effect of missense changes on protein structure and function are either unavailable or do not agree on the potential impact of this missense change (SIFT: "Deleterious"; PolyPhen-2: "Benign"; Align-GVGD: "Class C0"). In summary, the available evidence is currently insufficient to determine the role of this variant in disease. Therefore, it has been classified as a Variant of Uncertain Significance. This sequence change replaces leucine, which is neutral and non-polar, with valine, which is neutral and non-polar, at codon 577 of the APC protein (p.Leu577Val).